The following is an entry in ClinVar:

NM_006254.4(PRKCD):c.902G>T (p.Arg301Ile)

Gene: PRKCD (protein kinase C delta; plus strand). Cytogenetic location: 3p21.1.
Variant type: single nucleotide variant.
Coding change: c.902G>T on transcript NM_006254.4 (MANE Select); coding-DNA position 902, G replaced by T.
Protein change: p.Arg301Ile; replaces arginine 301 with isoleucine.
Molecular consequence: missense variant.
Genome position (GRCh38, 1-based): chr3:53,185,617, G>T. VCF-style: chr3-53185617-G-T. GRCh37 (hg19) VCF-style: chr3-53219633-G-T.
Other names: c.902G>T, p.Arg301Ile (NM_001316327.2, NM_001354679.2, NM_001354680.2 and 1 more transcripts); c.959G>T, p.Arg320Ile (NM_001354676.2); c.950G>T, p.Arg317Ile (NM_001354678.2); short protein forms R301I, R317I, R320I.
Identifiers: ClinVar variation 1500382 (VCV001500382.8), dbSNP rs2107275476, ClinGen allele CA353220804.

ClinVar aggregate classification (germline): Uncertain significance (1 of 4 stars; one submission).

Conditions:
Autoimmune lymphoproliferative syndrome, type III caused by mutation in PRKCD. Identifiers: Orphanet 3261, Orphanet 664711, MedGen C3809928, MONDO:8000024, OMIM 615559.

Submission:

Labcorp Genetics (formerly Invitae), Labcorp
Classification: Uncertain significance for Autoimmune lymphoproliferative syndrome, type III caused by mutation in PRKCD. Last evaluated: 2022-06-09. Review status: criteria provided, single submitter. Criteria: Invitae Variant Classification Sherloc (09022015). Collection method: clinical testing. Allele origin: germline.
Comment: This sequence change replaces arginine, which is basic and polar, with isoleucine, which is neutral and non-polar, at codon 301 of the PRKCD protein (p.Arg301Ile). This variant is not present in population databases (gnomAD no frequency). This variant has not been reported in the literature in individuals affected with PRKCD-related conditions. Algorithms developed to predict the effect of missense changes on protein structure and function are either unavailable or do not agree on the potential impact of this missense change (SIFT: "Deleterious"; PolyPhen-2: "Benign"; Align-GVGD: "Class C0"). In summary, the available evidence is currently insufficient to determine the role of this variant in disease. Therefore, it has been classified as a Variant of Uncertain Significance.